The following is an entry in ClinVar:

ClinVar aggregate classification (germline): Likely benign. Review status: criteria provided, single submitter (1 of 4 stars). 2 submissions from 2 submitters: Likely benign (1). 1 of the submissions does not count toward it. Last evaluated 2025-04-14.

Conditions:
Gorlin syndrome. Also called: Nevoid Basal Cell Carcinoma Syndrome; Basal cell nevus syndrome. Identifiers: Orphanet 377, MedGen C0004779, MONDO:0007187.
PTCH2-related disorder. Also called: PTCH2-related condition; PTCH2-related disease.

Allele frequency attached by ClinVar (database versions not stated): gnomAD exomes 0.00002; ExAC 0.00003; gnomAD 0.00021; TOPMed 0.00031; 1000 Genomes Project 0.00060; 1000 Genomes Project 30x 0.00062.
gnomAD v4.1: 49 of 1,613,924 alleles (0.003%); highest among the groups gnomAD compares: Admixed American, 0.075%; no homozygotes.

Submissions (2):

Labcorp Genetics (formerly Invitae), Labcorp
Classification: Likely benign for Gorlin syndrome. Last evaluated: 2025-04-14. Review status: criteria provided, single submitter. Criteria: Invitae Variant Classification Sherloc (09022015). Collection method: clinical testing. Allele origin: germline.

PreventionGenetics, part of Exact Sciences
Classification: Likely benign for PTCH2-related condition. Last evaluated: 2022-05-20. Review status: no assertion criteria provided. Collection method: clinical testing. Allele origin: germline. Not counted in ClinVar's aggregate classification.
Comment: This variant is classified as likely benign based on ACMG/AMP sequence variant interpretation guidelines (Richards et al. 2015 PMID: 25741868, with internal and published modifications).

NM_003738.5(PTCH2):c.2955C>T (p.Asn985=)

Gene: PTCH2 (patched 2; minus strand). Cytogenetic location: 1p34.1.
Variant type: single nucleotide variant.
Coding change: c.2955C>T on transcript NM_003738.5 (MANE Select); coding-DNA position 2955, C replaced by T.
Protein change: p.Asn985=; no amino-acid change (asparagine 985 retained).
Molecular consequence: synonymous variant.
Genome position (GRCh38, 1-based): chr1:44,826,509, G>A on the plus strand (C>T on the coding strand, the complement: PTCH2 is on the minus strand). VCF-style: chr1-44826509-G-A. GRCh37 (hg19) VCF-style: chr1-45292181-G-A.
Other names: c.2955C>T, p.Asn985= (NM_001166292.2); c.2955C>T (NM_003738.4).
Identifiers: ClinVar variation 1122896 (VCV001122896.11), dbSNP rs188437092, ClinGen allele CA822848.